The following is an entry in ClinVar:

NM_015335.5(MED13L):c.4576C>G (p.Pro1526Ala)

Gene: MED13L (mediator complex subunit 13L; minus strand). Cytogenetic location: 12q24.21.
Variant type: single nucleotide variant.
Coding change: c.4576C>G on transcript NM_015335.5 (MANE Select); coding-DNA position 4576, C replaced by G.
Protein change: p.Pro1526Ala; replaces proline 1526 with alanine.
Molecular consequence: missense variant.
Genome position (GRCh38, 1-based): chr12:115,983,496, G>C on the plus strand (C>G on the coding strand, the complement: MED13L is on the minus strand). VCF-style: chr12-115983496-G-C. GRCh37 (hg19) VCF-style: chr12-116421301-G-C.
Other names: short protein forms P1526A.
Identifiers: ClinVar variation 957373 (VCV000957373.11), dbSNP rs752521430, ClinGen allele CA386883317.

ClinVar aggregate classification (germline): Uncertain significance. Review status: criteria provided, multiple submitters, no conflicts (2 of 4 stars). 2 submissions from 2 submitters: Uncertain significance (2). Last evaluated 2025-04-11.

Conditions:
Dextro-looped transposition of the great arteries. Also called: Dextrotransposition of the great arteries. Identifiers: Orphanet 860, MedGen C3531771, MONDO:0019443, OMIM 608808, HP:0031348.

Submissions (2):

GeneDx
Classification: Uncertain significance. Last evaluated: 2025-04-11. Review status: criteria provided, single submitter. Criteria: GeneDx Variant Classification Process June 2021. Collection method: clinical testing. Allele origin: germline. Affected: yes.
Comment: In silico analysis supports that this missense variant has a deleterious effect on protein structure/function; Has not been previously published as pathogenic or benign to our knowledge

Labcorp Genetics (formerly Invitae), Labcorp
Classification: Uncertain significance for Dextro-looped transposition of the great arteries. Last evaluated: 2022-07-25. Review status: criteria provided, single submitter. Criteria: Invitae Variant Classification Sherloc (09022015). Collection method: clinical testing. Allele origin: germline.
Comment: In summary, the available evidence is currently insufficient to determine the role of this variant in disease. Therefore, it has been classified as a Variant of Uncertain Significance. Algorithms developed to predict the effect of missense changes on protein structure and function are either unavailable or do not agree on the potential impact of this missense change (SIFT: "Tolerated"; PolyPhen-2: "Not Available"; Align-GVGD: "Class C0"). ClinVar contains an entry for this variant (Variation ID: 957373). This variant has not been reported in the literature in individuals affected with MED13L-related conditions. This variant is not present in population databases (gnomAD no frequency). This sequence change replaces proline, which is neutral and non-polar, with alanine, which is neutral and non-polar, at codon 1526 of the MED13L protein (p.Pro1526Ala).